The following is an entry in ClinVar:

ClinVar aggregate classification (germline): Uncertain significance. Review status: criteria provided, multiple submitters, no conflicts (2 of 4 stars). 2 submissions from 2 submitters: Uncertain significance (2). Last evaluated 2022-11-03.

Conditions:
Inborn genetic diseases. Identifiers: MedGen C0950123, MeSH D030342.
Alpha-methylacyl-CoA racemase deficiency (AMACRD). Also called: AMACR deficiency. Identifiers: Orphanet 79095, MedGen C3280428, MONDO:0013681, OMIM 614307. Disease mechanism: loss of function.

Allele frequency attached by ClinVar (database versions not stated): gnomAD 0.00001; gnomAD exomes 0.00001; TOPMed 0.00001; ExAC 0.00002; ESP Exome Variant Server 0.00008.
gnomAD v4.1: 20 of 1,614,080 alleles (0.0012%); highest among the groups gnomAD compares: Non-Finnish European, 0.0016%; no homozygotes.

Submissions (2):

Ambry Genetics
Classification: Uncertain significance for Inborn genetic diseases. Last evaluated: 2022-11-03. Review status: criteria provided, single submitter. Criteria: Ambry Variant Classification Scheme 2023. Collection method: clinical testing. Allele origin: germline.

Labcorp Genetics (formerly Invitae), Labcorp
Classification: Uncertain significance for Alpha-methylacyl-CoA racemase deficiency. Last evaluated: 2022-07-26. Review status: criteria provided, single submitter. Criteria: Invitae Variant Classification Sherloc (09022015). Collection method: clinical testing. Allele origin: germline.
Comment: This sequence change replaces lysine, which is basic and polar, with methionine, which is neutral and non-polar, at codon 269 of the AMACR protein (p.Lys269Met). This variant is present in population databases (rs142887272, gnomAD 0.007%). This variant has not been reported in the literature in individuals affected with AMACR-related conditions. ClinVar contains an entry for this variant (Variation ID: 1397951). Algorithms developed to predict the effect of missense changes on protein structure and function (SIFT, PolyPhen-2, Align-GVGD) all suggest that this variant is likely to be disruptive. In summary, the available evidence is currently insufficient to determine the role of this variant in disease. Therefore, it has been classified as a Variant of Uncertain Significance.

NM_014324.6(AMACR):c.806A>T (p.Lys269Met)

Genes: C1QTNF3-AMACR (C1QTNF3-AMACR readthrough (NMD candidate); minus strand), AMACR (alpha-methylacyl-CoA racemase; minus strand). Cytogenetic location: 5p13.2.
Variant type: single nucleotide variant.
Coding change: c.806A>T on transcript NM_014324.6 (MANE Select); coding-DNA position 806, A replaced by T.
Protein change: p.Lys269Met; replaces lysine 269 with methionine.
Molecular consequence: missense variant. On other transcripts: non-coding transcript variant (1), 3 prime UTR variant (1).
Genome position (GRCh38, 1-based): chr5:33,989,436, T>A on the plus strand (A>T on the coding strand, the complement: AMACR is on the minus strand). VCF-style: chr5-33989436-T-A. GRCh37 (hg19) VCF-style: chr5-33989541-T-A.
Other names: c.806A>T (NM_014324.5); c.806A>T, p.Lys269Met (NM_001167595.2); c.*48A>T (NM_203382.3); short protein forms K269M.
Identifiers: ClinVar variation 1397951 (VCV001397951.6), dbSNP rs142887272, ClinGen allele CA3226018.